The following is an entry in ClinVar:

NM_007200.5(AKAP13):c.4917G>T (p.Arg1639=)

Gene: AKAP13 (A-kinase anchoring protein 13; plus strand). Cytogenetic location: 15q25.3.
Variant type: single nucleotide variant.
Coding change: c.4917G>T on transcript NM_007200.5 (MANE Select); coding-DNA position 4917, G replaced by T.
Protein change: p.Arg1639=; no amino-acid change (arginine 1639 retained).
Molecular consequence: synonymous variant.
Genome position (GRCh38, 1-based): chr15:85,664,680, G>T. VCF-style: chr15-85664680-G-T. GRCh37 (hg19) VCF-style: chr15-86207911-G-T.
Other names: c.783G>T, p.Arg261= (NM_001270546.1); c.4929G>T, p.Arg1643= (NM_006738.6).
Identifiers: ClinVar variation 2645659 (VCV002645659.24), dbSNP rs2545153753, ClinGen allele CA492020278.
Genomic context (GRCh38, chr15:85,664,680, plus strand): 5'-TCTAGAAGTAAGCTCTGCAAATGCCGAAGAGCTCAGACACCCATTCAGTGGTGAGGAACG[G>T]GTTGACTCTTTGGTGTCACTTTCAGAAGAGGATCTGGAGTCAGACCAGAGAGAACATAGG-3'
Protein context (NP_009131.2, residues 1629-1649): ELRHPFSGEE[Arg1639=]VDSLVSLSEE

ClinVar aggregate classification (germline): Likely benign (1 of 4 stars; one submission).

Allele frequency attached by ClinVar (database versions not stated): gnomAD exomes below 0.00001.
gnomAD v4.1: 2 of 1,614,104 alleles (0.00012%); highest among the groups gnomAD compares: Non-Finnish European, 0.00017%; no homozygotes.

Submission:

CeGaT Center for Human Genetics Tuebingen
Classification: Likely benign. Last evaluated: 2023-01-01. Review status: criteria provided, single submitter. Criteria: CeGaT Center For Human Genetics Tuebingen Variant Classification Criteria Version 2. Collection method: clinical testing. Allele origin: germline. Affected: yes. Observed: 1 variant allele.
Comment: AKAP13: PM2:Supporting, BP4, BP7